The following is an entry in ClinVar:

NM_025243.4(SLC19A3):c.562C>G (p.Leu188Val)

Gene: SLC19A3 (solute carrier family 19 member 3; minus strand). Cytogenetic location: 2q36.3.
Variant type: single nucleotide variant.
Coding change: c.562C>G on transcript NM_025243.4 (MANE Select); coding-DNA position 562, C replaced by G.
Protein change: p.Leu188Val; replaces leucine 188 with valine.
Molecular consequence: missense variant.
Genome position (GRCh38, 1-based): chr2:227,699,153, G>C on the plus strand (C>G on the coding strand, the complement: SLC19A3 is on the minus strand). VCF-style: chr2-227699153-G-C. GRCh37 (hg19) VCF-style: chr2-228563869-G-C.
Other names: short protein forms L188V.
Identifiers: ClinVar variation 596366 (VCV000596366.22), dbSNP rs146949876, ClinGen allele CA2149270.
Genomic context (GRCh38, chr2:227,699,153, plus strand): 5'-TTATTTCTCTGCTGGGTTTTGCATGAAAAAACATGCTTTTCTTGGGCATTGGTAGGAAAA[G>C]TGAGAAAAGGAAAGCCACGGAGACAGAGGCCAAGGATATGACGTTGAGGTAAAAGTACGA-3'
Protein context (NP_079519.1, residues 178-198): ASVSVAFLFS[Leu188Val]FLPMPKKSMF

ClinVar aggregate classification (germline): Conflicting classifications of pathogenicity. Review status: criteria provided, conflicting classifications (1 of 4 stars). 4 submissions from 4 submitters: Uncertain significance (3); Likely benign (1). Last evaluated 2026-01-28.

Conditions:
Biotin-responsive basal ganglia disease (BTBGD). Also called: THIAMINE METABOLISM DYSFUNCTION SYNDROME 2 (BIOTIN- AND THIAMINE-RESPONSIVE TYPE); Thiamine metabolism dysfunction syndrome 2 (biotin- or thiamine-responsive encephalopathy type 2); thiamine-responsive encephalopathy; Thiamine metabolism dysfunction syndrome type 2; Thiamine Transporter-2 Deficiency. Identifiers: Orphanet 199348, Orphanet 65284, MedGen C1843807, MONDO:0011841, OMIM 607483.
Inborn genetic diseases. Identifiers: MedGen C0950123, MeSH D030342.

Allele frequency attached by ClinVar (database versions not stated): gnomAD exomes 0.00007; ExAC 0.00008; 1000 Genomes Project 0.00020; ESP Exome Variant Server 0.00023; gnomAD 0.00026 and 0.00027; 1000 Genomes Project 30x 0.00031; TOPMed 0.00034.
gnomAD v4.1: 80 of 1,614,186 alleles (0.005%); highest among the groups gnomAD compares: African/African-American, 0.1%; no homozygotes.

Submissions (4):

Labcorp Genetics (formerly Invitae), Labcorp
Classification: Likely benign for Biotin-responsive basal ganglia disease. Last evaluated: 2026-01-28. Review status: criteria provided, single submitter. Criteria: Invitae Variant Classification Sherloc (09022015). Collection method: clinical testing. Allele origin: germline.

GeneDx
Classification: Uncertain significance. Last evaluated: 2025-06-17. Review status: criteria provided, single submitter. Criteria: GeneDx Variant Classification Process June 2021. Collection method: clinical testing. Allele origin: germline. Affected: yes.
Comment: In silico analysis suggests that this missense variant does not alter protein structure/function; Has not been previously published as pathogenic or benign to our knowledge

Ambry Genetics
Classification: Uncertain significance for Inborn genetic diseases. Last evaluated: 2021-06-08. Review status: criteria provided, single submitter. Criteria: Ambry Variant Classification Scheme 2023. Collection method: clinical testing. Allele origin: germline.

Eurofins Ntd Llc (ga)
Classification: Uncertain significance. Last evaluated: 2018-03-12. Review status: criteria provided, single submitter. Criteria: EGL ClinVar v180209 classification definitions. Collection method: clinical testing. Allele origin: germline. Observed: 1 variant allele, 1 heterozygote.